The following is an entry in ClinVar:

ClinVar aggregate classification (germline): Uncertain significance. Review status: criteria provided, multiple submitters, no conflicts (2 of 4 stars). 2 submissions from 2 submitters: Uncertain significance (2). Last evaluated 2025-11-06.

Conditions:
Inborn genetic diseases. Identifiers: MedGen C0950123, MeSH D030342.
T-cell immunodeficiency, congenital alopecia, and nail dystrophy. Also called: Congenital alopecia and nail dystrophy associated with severe functional T-cell immunodeficiency; Pignata Guarino syndrome. Identifiers: Orphanet 169095, MedGen C1866426, MONDO:0011132, OMIM 601705.

Allele frequency attached by ClinVar (database versions not stated): gnomAD 0.00001; gnomAD exomes 0.00001; TOPMed 0.00001.

Submissions (2):

Labcorp Genetics (formerly Invitae), Labcorp
Classification: Uncertain significance for T-cell immunodeficiency, congenital alopecia, and nail dystrophy. Last evaluated: 2025-11-06. Review status: criteria provided, single submitter. Criteria: Invitae Variant Classification Sherloc (09022015). Collection method: clinical testing. Allele origin: germline.
Comment: This sequence change replaces histidine, which is basic and polar, with arginine, which is basic and polar, at codon 191 of the FOXN1 protein (p.His191Arg). This variant is present in population databases (no rsID available, gnomAD 0.0009%). This variant has not been reported in the literature in individuals affected with FOXN1-related conditions. ClinVar contains an entry for this variant (Variation ID: 2508433). Invitae Evidence Modeling of protein sequence and biophysical properties (such as structural, functional, and spatial information, amino acid conservation, physicochemical variation, residue mobility, and thermodynamic stability) indicates that this missense variant is not expected to disrupt FOXN1 protein function with a negative predictive value of 80%. In summary, the available evidence is currently insufficient to determine the role of this variant in disease. Therefore, it has been classified as a Variant of Uncertain Significance.

Ambry Genetics
Classification: Uncertain significance for Inborn genetic diseases. Last evaluated: 2023-04-04. Review status: criteria provided, single submitter. Criteria: Ambry Variant Classification Scheme 2023. Collection method: clinical testing. Allele origin: germline.

NM_001369369.1(FOXN1):c.572A>G (p.His191Arg)

Gene: FOXN1 (forkhead box N1; plus strand). Cytogenetic location: 17q11.2.
Variant type: single nucleotide variant.
Coding change: c.572A>G on transcript NM_001369369.1 (MANE Select); coding-DNA position 572, A replaced by G.
Protein change: p.His191Arg; replaces histidine 191 with arginine.
Molecular consequence: missense variant.
Genome position (GRCh38, 1-based): chr17:28,524,951, A>G. VCF-style: chr17-28524951-A-G. GRCh37 (hg19) VCF-style: chr17-26851969-A-G.
Other names: c.572A>G, p.His191Arg (NM_003593.3); short protein forms H191R.
Identifiers: ClinVar variation 2508433 (VCV002508433.4), dbSNP rs1048442988, ClinGen allele CA289116513.
Genomic context (GRCh38, chr17:28,524,951, plus strand): 5'-TCCTGCCTGGCTTCTCAGCAGAGGCCTGGTGTAACGGGCTCCCCTACCCCAGCCAGGAGC[A>G]TGGCCCCCAAGTCCTGGTGAGTACTAGTGGCCAGCGAGTGTCCCATCTTCCCACTGTCCC-3'
Protein context (NP_001356298.1, residues 181-201): CNGLPYPSQE[His191Arg]GPQVLGSEVK